The following is an entry in ClinVar:

NM_004977.3(KCNC3):c.311C>G (p.Ser104Trp)

Gene: KCNC3 (potassium voltage-gated channel subfamily C member 3; minus strand). Cytogenetic location: 19q13.33.
Variant type: single nucleotide variant.
Coding change: c.311C>G on transcript NM_004977.3 (MANE Select); coding-DNA position 311, C replaced by G.
Protein change: p.Ser104Trp; replaces serine 104 with tryptophan.
Molecular consequence: missense variant.
Genome position (GRCh38, 1-based): chr19:50,328,772, G>C on the plus strand (C>G on the coding strand, the complement: KCNC3 is on the minus strand). VCF-style: chr19-50328772-G-C. GRCh37 (hg19) VCF-style: chr19-50832029-G-C.
Other names: c.83C>G, p.Ser28Trp (NM_001372305.1); short protein forms S104W, S28W.
Identifiers: ClinVar variation 2120876 (VCV002120876.4), dbSNP rs1209810320, ClinGen allele CA406956057.
Genomic context (GRCh38, chr19:50,328,772, plus strand): 5'-GCCGCCGCCTCGGGCTCCGTCAGGCCGGCCAGCCGCGTCCCCGGCAGGGTGCGCAGCGTC[G>C]AGCGGTACGTCTCATGGCGCACGCCGCCCACGTTGATCACGATCTTGCCGCTGTCGCCAC-3'
Protein context (NP_004968.2, residues 94-114): VGGVRHETYR[Ser104Trp]TLRTLPGTRL

ClinVar aggregate classification (germline): Uncertain significance (1 of 4 stars; one submission).

gnomAD v4.1: 1 of 1,581,846 alleles (0.000063%); highest among the groups gnomAD compares: Non-Finnish European, 0.000086%; no homozygotes.

Submission:

Labcorp Genetics (formerly Invitae), Labcorp
Classification: Uncertain significance. Last evaluated: 2022-11-01. Review status: criteria provided, single submitter. Criteria: Invitae Variant Classification Sherloc (09022015). Collection method: clinical testing. Allele origin: germline.
Comment: Advanced modeling of protein sequence and biophysical properties (such as structural, functional, and spatial information, amino acid conservation, physicochemical variation, residue mobility, and thermodynamic stability) performed at Invitae indicates that this missense variant is expected to disrupt KCNC3 protein function. In summary, the available evidence is currently insufficient to determine the role of this variant in disease. Therefore, it has been classified as a Variant of Uncertain Significance. This variant has not been reported in the literature in individuals affected with KCNC3-related conditions. This variant is not present in population databases (gnomAD no frequency). This sequence change replaces serine, which is neutral and polar, with tryptophan, which is neutral and slightly polar, at codon 104 of the KCNC3 protein (p.Ser104Trp).